The following is an entry in ClinVar:

NM_000038.6(APC):c.2601A>G (p.Thr867=)

Gene: APC (APC regulator of Wnt signaling pathway; plus strand). Cytogenetic location: 5q22.2.
Variant type: single nucleotide variant.
Coding change: c.2601A>G on transcript NM_000038.6 (MANE Select); coding-DNA position 2601, A replaced by G.
Protein change: p.Thr867=; no amino-acid change (threonine 867 retained).
Molecular consequence: synonymous variant. On other transcripts: non-coding transcript variant (2).
Genome position (GRCh38, 1-based): chr5:112,838,195, A>G. VCF-style: chr5-112838195-A-G. GRCh37 (hg19) VCF-style: chr5-112173892-A-G.
Other names: c.2601A>G, p.Thr867= (NM_001127510.3, NM_001354895.2, NM_001407450.1); c.2547A>G, p.Thr849= (NM_001127511.3); c.2655A>G, p.Thr885= (NM_001354896.2, NM_001407447.1, NM_001407448.1 and 1 more transcripts); c.2631A>G, p.Thr877= (NM_001354897.2); c.2526A>G, p.Thr842= (NM_001354898.2); c.2517A>G, p.Thr839= (NM_001354899.2); c.2478A>G, p.Thr826= (NM_001354900.2); c.2424A>G, p.Thr808= (NM_001354901.2, NM_001407453.1); and 11 more.
Identifiers: ClinVar variation 3148096 (VCV003148096.1), dbSNP rs2149873392, ClinGen allele CA445962936.

ClinVar aggregate classification (germline): Benign (1 of 4 stars; one submission).

Conditions:
Familial adenomatous polyposis 1 (FAP1). Also called: POLYPOSIS, ADENOMATOUS INTESTINAL; FAMILIAL ADENOMATOUS POLYPOSIS 1, ATTENUATED. Identifiers: MedGen C2713442, MONDO:0021056, OMIM 175100. Disease mechanism: loss of function.

Submission:

Myriad Genetics, Inc.
Classification: Benign for Familial adenomatous polyposis 1. Last evaluated: 2024-03-14. Review status: criteria provided, single submitter. Criteria: Myriad Autosomal Dominant, Autosomal Recessive and X-Linked Classification Criteria (2023). Collection method: clinical testing. Allele origin: unknown.
Comment: This variant is considered benign. This variant is a silent/synonymous amino acid change and it is not expected to impact splicing.